The following is an entry in ClinVar:

ClinVar aggregate classification (germline): Conflicting classifications of pathogenicity. Review status: criteria provided, conflicting classifications (1 of 4 stars). 3 submissions from 3 submitters: Pathogenic (2); Uncertain significance (1). Last evaluated 2024-08-11.

Conditions:
Familial cancer of breast. Also called: Hereditary breast cancer; BREAST CANCER, FAMILIAL; hereditary breast carcinoma. Identifiers: Orphanet 227535, MedGen C0346153, MONDO:0016419, OMIM 114480. Disease mechanism: loss of function.

Submissions (3):

Labcorp Genetics (formerly Invitae), Labcorp
Classification: Pathogenic for Familial cancer of breast. Last evaluated: 2024-08-11. Review status: criteria provided, single submitter. Criteria: Invitae Variant Classification Sherloc (09022015). Collection method: clinical testing. Allele origin: germline.
Comment: This sequence change creates a premature translational stop signal (p.Leu513*) in the BARD1 gene. It is expected to result in an absent or disrupted protein product. Loss-of-function variants in BARD1 are known to be pathogenic (PMID: 20077502, 21344236). This variant is not present in population databases (gnomAD no frequency). This variant has not been reported in the literature in individuals affected with BARD1-related conditions. ClinVar contains an entry for this variant (Variation ID: 1428973). For these reasons, this variant has been classified as Pathogenic.

Myriad Genetics, Inc.
Classification: Pathogenic for Familial cancer of breast. Last evaluated: 2023-05-23. Review status: criteria provided, single submitter. Criteria: Myriad Autosomal Dominant, Autosomal Recessive and X-Linked Classification Criteria (2023). Collection method: clinical testing. Allele origin: unknown.
Comment: This variant is considered pathogenic. This variant creates a termination codon and is predicted to result in premature protein truncation.

Centre for Mendelian Genomics, University Medical Centre Ljubljana
Classification: Uncertain significance for Familial cancer of breast. Last evaluated: 2022-12-09. Review status: criteria provided, single submitter. Criteria: ACMG Guidelines, 2015. Collection method: research. Allele origin: germline. Affected: no.
Comment: PVS1, PM2_SUP

Literature cited by the submitters: PubMed 20077502 (cited by Labcorp Genetics (formerly Invitae), Labcorp); PubMed 21344236 (cited by Labcorp Genetics (formerly Invitae), Labcorp).

NM_000465.4(BARD1):c.1538T>G (p.Leu513Ter)

Gene: BARD1 (BRCA1 associated RING domain 1; minus strand). Cytogenetic location: 2q35.
Variant type: single nucleotide variant.
Coding change: c.1538T>G on transcript NM_000465.4 (MANE Select); coding-DNA position 1538, T replaced by G.
Protein change: p.Leu513Ter; replaces leucine 513 with a stop codon.
Molecular consequence: nonsense. On other transcripts: non-coding transcript variant (3), intron variant (3).
Genome position (GRCh38, 1-based): chr2:214,767,512, A>C on the plus strand (T>G on the coding strand, the complement: BARD1 is on the minus strand). VCF-style: chr2-214767512-A-C. GRCh37 (hg19) VCF-style: chr2-215632236-A-C.
Other names: c.1481T>G, p.Leu494Ter (NM_001282543.2); c.159-14957T>G (NM_001282548.2); c.216-14957T>G (NM_001282545.2); c.364+24785T>G (NM_001282549.2); short protein forms L513*, L494*.
Identifiers: ClinVar variation 1428973 (VCV001428973.10), dbSNP rs2106076340, ClinGen allele CA350448188.